The following is an entry in ClinVar:

ClinVar aggregate classification (germline): Uncertain significance (1 of 4 stars; one submission).

gnomAD v4.1: 1 of 1,608,474 alleles (0.000062%); highest among the groups gnomAD compares: Non-Finnish European, 0.000085%; no homozygotes.

Submission:

Ambry Genetics
Classification: Uncertain significance. Last evaluated: 2025-01-03. Review status: criteria provided, single submitter. Criteria: Ambry Variant Classification Scheme 2023. Collection method: clinical testing. Allele origin: germline.
Comment: The p.M780V variant (also known as c.2338A>G), located in coding exon 10 of the WNK2 gene, results from an A to G substitution at nucleotide position 2338. The methionine at codon 780 is replaced by valine, an amino acid with highly similar properties. This amino acid position is conserved. In addition, this alteration is predicted to be tolerated by in silico analysis. Based on the available evidence, the clinical significance of this variant remains unclear.

NM_006648.4(WNK2):c.2338A>G (p.Met780Val)

Gene: WNK2 (WNK lysine deficient protein kinase 2; plus strand). Cytogenetic location: 9q22.31.
Variant type: single nucleotide variant.
Coding change: c.2338A>G on transcript NM_006648.4 (MANE Select); coding-DNA position 2338, A replaced by G.
Protein change: p.Met780Val; replaces methionine 780 with valine.
Molecular consequence: missense variant.
Genome position (GRCh38, 1-based): chr9:93,257,095, A>G. VCF-style: chr9-93257095-A-G. GRCh37 (hg19) VCF-style: chr9-96019377-A-G.
Other names: c.2338A>G, p.Met780Val (NM_001282394.3); short protein forms M780V.
Identifiers: ClinVar variation 3816704 (VCV003816704.1).
Genomic context (GRCh38, chr9:93,257,095, plus strand): 5'-CCACCGTACCTGGCTCCAGCCTCCCAGGTGGGGGCCCCCGCTCAGCTGAAGCCCCTCCAG[A>G]TGCCACAGGCGCCCCTGCAGCCGCTTGCTCAAGTCCCTCCGCAGGTAATTCTAGGTTGAT-3'
Protein context (NP_006639.3, residues 770-790): GAPAQLKPLQ[Met780Val]PQAPLQPLAQ